The following is an entry in ClinVar:

NM_000138.5(FBN1):c.4401G>T (p.Leu1467=)

Gene: FBN1 (fibrillin 1; minus strand). Cytogenetic location: 15q21.1.
Variant type: single nucleotide variant.
Coding change: c.4401G>T on transcript NM_000138.5 (MANE Select); coding-DNA position 4401, G replaced by T.
Protein change: p.Leu1467=; no amino-acid change (leucine 1467 retained).
Molecular consequence: synonymous variant.
Genome position (GRCh38, 1-based): chr15:48,470,692, C>A on the plus strand (G>T on the coding strand, the complement: FBN1 is on the minus strand). VCF-style: chr15-48470692-C-A. GRCh37 (hg19) VCF-style: chr15-48762889-C-A.
Identifiers: ClinVar variation 772151 (VCV000772151.14), dbSNP rs747377334, ClinGen allele CA052754.
Genomic context (GRCh38, chr15:48,470,692, plus strand): 5'-ACCTGTGCAGTTCCCGCCGCTTCTGTCCAGTTCGTAGCCTATCTCACACTCACAGCGGAA[C>A]AGGCCAGGGAGGTTGTGGCAAGTTCCAAAGACACAGATGTTCGGAAGGGAGCACTCATCA-3'
Protein context (NP_000129.3, residues 1457-1477): VFGTCHNLPG[Leu1467=]FRCECEIGYE

ClinVar aggregate classification (germline): Likely benign. Review status: criteria provided, multiple submitters, no conflicts (2 of 4 stars). 4 submissions from 4 submitters: Likely benign (4). Last evaluated 2026-01-03.

Conditions:
Marfan syndrome (MFS). Also called: MARFAN SYNDROME, TYPE I; FBN1-Related Marfan Syndrome; Marfan syndrome type 1; Marfan's syndrome; Marfan syndrome, classic. Identifiers: Orphanet 284963, Orphanet 558, MedGen C0024796, MONDO:0007947, OMIM 154700.
Familial thoracic aortic aneurysm and aortic dissection (TAAD). Also called: Thoracic aortic aneurysms and dissections. Identifiers: Orphanet 91387, MedGen C4707243, MONDO:0019625.

Allele frequency attached by ClinVar (database versions not stated): gnomAD 0.00001; TOPMed 0.00002.
gnomAD v4.1: 17 of 1,613,952 alleles (0.0011%); highest among the groups gnomAD compares: Admixed American, 0.028%; no homozygotes.

Submissions (4):

Labcorp Genetics (formerly Invitae), Labcorp
Classification: Likely benign for Marfan syndrome; Familial thoracic aortic aneurysm and aortic dissection. Last evaluated: 2026-01-03. Review status: criteria provided, single submitter. Criteria: Invitae Variant Classification Sherloc (09022015). Collection method: clinical testing. Allele origin: germline.

Ambry Genetics
Classification: Likely benign for Familial thoracic aortic aneurysm and aortic dissection. Last evaluated: 2025-01-31. Review status: criteria provided, single submitter. Criteria: Ambry Variant Classification Scheme 2023. Collection method: clinical testing. Allele origin: germline.

All of Us Research Program, National Institutes of Health
Classification: Likely benign for Marfan syndrome. Last evaluated: 2024-02-05. Review status: criteria provided, single submitter. Criteria: ACMG Guidelines, 2015. Collection method: clinical testing. Allele origin: germline. Inheritance: Autosomal dominant inheritance. Observed: 9 variant alleles, 9 heterozygotes.
Comment: This study involves interpretation of variants in research participants for the purpose of population health screening. Participant phenotype was not available at the time of variant classification. Additional details can be found in publication PMID: 35346344, PMCID: PMC8962531

Color Diagnostics, LLC DBA Color Health
Classification: Likely benign for Familial thoracic aortic aneurysm and aortic dissection. Last evaluated: 2020-04-06. Review status: criteria provided, single submitter. Criteria: ACMG Guidelines, 2015. Collection method: clinical testing. Allele origin: germline.